The following is an entry in ClinVar:

NM_004183.4(BEST1):c.316C>T (p.Leu106Phe)

Gene: BEST1 (bestrophin 1; plus strand). Cytogenetic location: 11q12.3.
Variant type: single nucleotide variant.
Coding change: c.316C>T on transcript NM_004183.4 (MANE Select); coding-DNA position 316, C replaced by T.
Protein change: p.Leu106Phe; replaces leucine 106 with phenylalanine.
Molecular consequence: missense variant. On other transcripts: non-coding transcript variant (1).
Genome position (GRCh38, 1-based): chr11:61,955,786, C>T. VCF-style: chr11-61955786-C-T. GRCh37 (hg19) VCF-style: chr11-61723258-C-T.
Other names: c.136C>T, p.Leu46Phe (NM_001139443.3, NM_001300786.2, NM_001300787.2); c.-3C>T (NM_001363591.3); c.316C>T, p.Leu106Phe (NM_001363592.2); c.-860C>T (NM_001363593.3); short protein forms L106F, L46F.
Identifiers: ClinVar variation 1020150 (VCV001020150.9), dbSNP rs1818911095, ClinGen allele CA380834283.

ClinVar aggregate classification (germline): Uncertain significance. Review status: criteria provided, multiple submitters, no conflicts (2 of 4 stars). 2 submissions from 2 submitters: Uncertain significance (2). Last evaluated 2023-03-21.

Allele frequency attached by ClinVar (database versions not stated): TOPMed below 0.00001.

Submissions (2):

GeneDx
Classification: Uncertain significance. Last evaluated: 2023-03-21. Review status: criteria provided, single submitter. Criteria: GeneDx Variant Classification Process June 2021. Collection method: clinical testing. Allele origin: germline. Affected: yes.
Comment: Not observed at significant frequency in large population cohorts (gnomAD); In silico analysis supports that this missense variant has a deleterious effect on protein structure/function; Has not been previously published as pathogenic or benign to our knowledge

Labcorp Genetics (formerly Invitae), Labcorp
Classification: Uncertain significance. Last evaluated: 2022-02-02. Review status: criteria provided, single submitter. Criteria: Invitae Variant Classification Sherloc (09022015). Collection method: clinical testing. Allele origin: germline.
Comment: This sequence change replaces leucine, which is neutral and non-polar, with phenylalanine, which is neutral and non-polar, at codon 106 of the BEST1 protein (p.Leu106Phe). In summary, the available evidence is currently insufficient to determine the role of this variant in disease. Therefore, it has been classified as a Variant of Uncertain Significance. Advanced modeling of protein sequence and biophysical properties (such as structural, functional, and spatial information, amino acid conservation, physicochemical variation, residue mobility, and thermodynamic stability) performed at Invitae indicates that this missense variant is expected to disrupt BEST1 protein function. ClinVar contains an entry for this variant (Variation ID: 1020150). This variant has not been reported in the literature in individuals affected with BEST1-related conditions. This variant is not present in population databases (gnomAD no frequency).